The following is an entry in ClinVar:

NM_000199.5(SGSH):c.572G>C (p.Gly191Ala)

Gene: SGSH (N-sulfoglucosamine sulfohydrolase; minus strand). Cytogenetic location: 17q25.3.
Variant type: single nucleotide variant.
Coding change: c.572G>C on transcript NM_000199.5 (MANE Select); coding-DNA position 572, G replaced by C.
Protein change: p.Gly191Ala; replaces glycine 191 with alanine.
Molecular consequence: missense variant. On other transcripts: non-coding transcript variant (1).
Genome position (GRCh38, 1-based): chr17:80,214,263, C>G on the plus strand (G>C on the coding strand, the complement: SGSH is on the minus strand). VCF-style: chr17-80214263-C-G. GRCh37 (hg19) VCF-style: chr17-78188062-C-G.
Other names: c.572G>C, p.Gly191Ala (NM_001352921.3, NM_001352922.2); short protein forms G191A.
Identifiers: ClinVar variation 4761457 (VCV004761457.1).

ClinVar aggregate classification (germline): Likely pathogenic (1 of 4 stars; one submission).

Conditions:
Mucopolysaccharidosis, MPS-III-A (MPS3A). Also called: Mucopolysaccharidosis, type IIIA; mucopolysaccharidosis type 3A; MPS IIIA (Sanfilippo Syndrome Type A); HEPARAN SULFATE SULFATASE DEFICIENCY; SANFILIPPO SYNDROME A; SULFAMIDASE DEFICIENCY. Identifiers: Orphanet 581, Orphanet 79269, MedGen C0086647, MONDO:0009655, OMIM 252900.

Submission:

Labcorp Genetics (formerly Invitae), Labcorp
Classification: Likely pathogenic for Mucopolysaccharidosis, MPS-III-A. Last evaluated: 2025-12-03. Review status: criteria provided, single submitter. Criteria: Invitae Variant Classification Sherloc (09022015). Collection method: clinical testing. Allele origin: germline.
Comment: This sequence change replaces glycine, which is neutral and non-polar, with alanine, which is neutral and non-polar, at codon 191 of the SGSH protein (p.Gly191Ala). This variant is not present in population databases (gnomAD no frequency). This variant has not been reported in the literature in individuals affected with SGSH-related conditions. Invitae Evidence Modeling of protein sequence and biophysical properties (such as structural, functional, and spatial information, amino acid conservation, physicochemical variation, residue mobility, and thermodynamic stability) indicates that this missense variant is expected to disrupt SGSH protein function with a positive predictive value of 95%. This variant disrupts the p.Gly191 amino acid residue in SGSH. Other variant(s) that disrupt this residue have been determined to be pathogenic (PMID: 15146460, 21061399, 23084433). This suggests that this residue is clinically significant, and that variants that disrupt this residue are likely to be disease-causing. In summary, the currently available evidence indicates that the variant is pathogenic, but additional data are needed to prove that conclusively. Therefore, this variant has been classified as Likely Pathogenic.

Literature cited by the submitters: PubMed 15146460; PubMed 21061399; PubMed 23084433.